The following is an entry in ClinVar:

ClinVar aggregate classification (germline): Pathogenic/Likely pathogenic. Review status: criteria provided, multiple submitters, no conflicts (2 of 4 stars). 5 submissions from 5 submitters: Pathogenic (3); Likely pathogenic (2). Last evaluated 2024-07-08.

Conditions:
Charlevoix-Saguenay spastic ataxia (SACS). Also called: Spastic ataxia of Charlevoix-Saguenay; SPASTIC ATAXIA 6, AUTOSOMAL RECESSIVE; AUTOSOMAL RECESSIVE SPASTIC ATAXIA OF CHARLEVOIX-SAGUENAY. Identifiers: Orphanet 98, MedGen C1849140, MONDO:0010041, OMIM 270550.
Spastic paraplegia. Identifiers: MedGen C0037772, HP:0001258.

Allele frequency attached by ClinVar (database versions not stated): ExAC 0.00001; gnomAD exomes below 0.00001.
gnomAD v4.1: 6 of 1,613,980 alleles (0.00037%); highest among the groups gnomAD compares: Non-Finnish European, 0.00042%; no homozygotes.

Submissions (5):

Natera, Inc.
Classification: Likely pathogenic for Charlevoix-Saguenay type spastic ataxia. Last evaluated: 2024-07-08. Review status: criteria provided, single submitter. Criteria: Natera Variant Classification Schema (03/2026). Collection method: clinical testing. Allele origin: germline.
Comment: The c.11914C>T variant in SACS is a nonsense variant predicted to introduce a stop codon at amino acid 3972. This variant is expected to result in nonsense mediated decay, truncation, or a dysfunctional protein product. This variant is rare in the general population with a frequency below the threshold expected for the associated phenotype(s). Given the available evidence, this variant is classified as Likely Pathogenic.

Labcorp Genetics (formerly Invitae), Labcorp
Classification: Pathogenic for Spastic paraplegia. Last evaluated: 2022-08-23. Review status: criteria provided, single submitter. Criteria: Invitae Variant Classification Sherloc (09022015). Collection method: clinical testing. Allele origin: germline.
Comment: ClinVar contains an entry for this variant (Variation ID: 987464). This sequence change creates a premature translational stop signal (p.Arg3972*) in the SACS gene. While this is not anticipated to result in nonsense mediated decay, it is expected to disrupt the last 608 amino acid(s) of the SACS protein. This variant is present in population databases (rs781491486, gnomAD 0.0009%). This variant has not been reported in the literature in individuals affected with SACS-related conditions. This variant disrupts a region of the SACS protein in which other variant(s) (p.Asp4464Val) have been determined to be pathogenic (Invitae; external communication). This suggests that this is a clinically significant region of the protein, and that variants that disrupt it are likely to be disease-causing. For these reasons, this variant has been classified as Pathogenic.

PROSPAX: an integrated multimodal progression  chart in spastic ataxias, Center for Neurology; Hertie-Institute for Clinical Brain Research
Classification: Pathogenic for Charlevoix-Saguenay spastic ataxia. Last evaluated: 2022-01-01. Review status: criteria provided, single submitter. Criteria: ACMG Guidelines, 2015. Collection method: research. Allele origin: germline. Affected: yes. Observed: 1 variant allele, 1 compound heterozygote.

Fulgent Genetics
Classification: Likely pathogenic for Charlevoix-Saguenay spastic ataxia. Last evaluated: 2021-12-11. Review status: criteria provided, single submitter. Criteria: ACMG Guidelines, 2015. Collection method: clinical testing. Allele origin: unknown.

Institute of Medical Genetics and Applied Genomics, University Hospital Tübingen
Classification: Pathogenic. Last evaluated: 2020-10-23. Review status: criteria provided, single submitter. Criteria: ACMG Guidelines, 2015. Collection method: clinical testing. Allele origin: germline. Inheritance: Autosomal recessive inheritance. Affected: yes.

NM_014363.6(SACS):c.11914C>T (p.Arg3972Ter)

Gene: SACS (sacsin molecular chaperone; minus strand). Cytogenetic location: 13q12.12.
Variant type: single nucleotide variant.
Coding change: c.11914C>T on transcript NM_014363.6 (MANE Select); coding-DNA position 11914, C replaced by T.
Protein change: p.Arg3972Ter; replaces arginine 3972 with a stop codon.
Molecular consequence: nonsense.
Genome position (GRCh38, 1-based): chr13:23,331,962, G>A on the plus strand (C>T on the coding strand, the complement: SACS is on the minus strand). VCF-style: chr13-23331962-G-A. GRCh37 (hg19) VCF-style: chr13-23906101-G-A.
Other names: c.11473C>T, p.Arg3825Ter (NM_001278055.2); c.11914C>T (NM_014363.5); short protein forms R3825*, R3972*.
Identifiers: ClinVar variation 987464 (VCV000987464.9), dbSNP rs781491486, ClinGen allele CA6910204.
Genomic context (GRCh38, chr13:23,331,962, plus strand): 5'-ACTGACAAACTTTGGGAGTCTCTTCATCTAATTGTTCTTCAAGTATACTGCTCAATAATC[G>A]AGGTCTAAGTTTTTGAGGAAAGAGCATTATCAACTTAGTGTGAAATCCATGGTCTTTCCC-3'